The following is an entry in ClinVar:

ClinVar aggregate classification (germline): Uncertain significance (1 of 4 stars; one submission).

Conditions:
Spinal muscular atrophy (SMA). Identifiers: MedGen C0026847, MeSH D009134, MONDO:0001516, HP:0007269.

Submission:

Victorian Clinical Genetics Services, Murdoch Childrens Research Institute
Classification: Uncertain significance for Spinal muscular atrophy. Last evaluated: 2023-07-17. Review status: criteria provided, single submitter. Criteria: ACMG Guidelines, 2015. Collection method: clinical testing. Allele origin: germline. Inheritance: Autosomal recessive inheritance. Affected: yes.
Comment: Based on the classification scheme VCGS_Germline_v1.3.4, this variant is classified as VUS-3C. Following criteria are met: 0102 - Loss of function is a known mechanism of disease in this gene and is associated with spinal muscular atrophy-1 (MIM#253300), spinal muscular atrophy-2 (MIM#253550), spinal muscular atrophy-3 (MIM#253400) and spinal muscular atrophy-4 (MIM#271150). (I) 0106 - This gene is associated with autosomal recessive disease. (I) 0218 - Non-coding variant without known or predicted effect. (I) 0253 - This variant is hemizygous. However, we cannot distinguish whether this variant is hemizygous in SMN1 or SMN2. (I) 0301 - Variant is absent from gnomAD (both v2 and v3). However, this is noted to be a region of low coverage in gnomAD. (SP) 0506 - Abnormal splicing is not predicted and nucleotide is poorly conserved. (SB) 0705 - No comparable intronic variants have previous evidence for pathogenicity. (I) 0809 - Previous evidence of pathogenicity for this variant is inconclusive. A c.724-54C>T variant in SMN2 has been reported in a large cohort of individuals with SMA, who either had a homozygous deletion of SMN1 or heterozygous deletion with a point mutation on the other allele of SMN1. Information on the individual/s this variant was observed in was limited (PMID: 32954327). (I) 0905 - No published segregation evidence has been identified for this variant. (I) 1007 - No published functional evidence has been identified for this variant. (I) 1208 - Inheritance information for this variant is not currently available in this individual. (I) Legend: (SP) - Supporting pathogenic, (I) - Information, (SB) - Supporting benign

Literature cited by the submitters: PubMed 32954327.

NM_000344.4(SMN1):c.724-54C>T

Gene: SMN1 (survival of motor neuron 1, telomeric). Cytogenetic location: 5q13.2.
Variant type: single nucleotide variant.
Coding change: c.724-54C>T on transcript NM_000344.4 (MANE Select); 54 bases into the intron before coding-DNA position 724, C replaced by T.
Molecular consequence: intron variant.
Genome position (GRCh38, 1-based): chr5:70,946,012, C>T. VCF-style: chr5-70946012-C-T. GRCh37 (hg19) VCF-style: chr5-70241839-C-T.
Other names: c.724-54C>T (NM_001297715.1); c.628-54C>T (NM_022874.2).
Identifiers: ClinVar variation 3376793 (VCV003376793.1).